The following is an entry in ClinVar:

ClinVar aggregate classification (germline): Benign/Likely benign. Review status: criteria provided, multiple submitters, no conflicts (2 of 4 stars). 4 submissions from 4 submitters: Benign (3); Likely benign (1). Last evaluated 2026-02-04.

Conditions:
Primary ciliary dyskinesia 27. Also called: CILIARY DYSKINESIA, PRIMARY, 27, WITHOUT SITUS INVERSUS. Identifiers: Orphanet 244, MedGen C3809701, MONDO:0014215, OMIM 615504.

Allele frequency attached by ClinVar (database versions not stated): ESP Exome Variant Server 0.05113; gnomAD 0.07733 and 0.08172; TOPMed 0.09151; 1000 Genomes Project 30x 0.11415; 1000 Genomes Project 0.11741; ExAC 0.11776; gnomAD exomes 0.12637 and 0.08737.

Submissions (4):

Labcorp Genetics (formerly Invitae), Labcorp
Classification: Benign for Primary ciliary dyskinesia 27. Last evaluated: 2026-02-04. Review status: criteria provided, single submitter. Criteria: Invitae Variant Classification Sherloc (09022015). Collection method: clinical testing. Allele origin: germline.

Blueprint Genetics
Classification: Likely benign. Last evaluated: 2024-11-27. Review status: criteria provided, single submitter. Criteria: ACMG Guidelines, 2015. Collection method: clinical testing. Allele origin: germline.

GeneDx
Classification: Benign. Last evaluated: 2018-11-10. Review status: criteria provided, single submitter. Criteria: GeneDx Variant Classification Process June 2021. Collection method: clinical testing. Allele origin: germline. Affected: yes.

Laboratory for Molecular Medicine, Mass General Brigham Personalized Medicine
Classification: Benign. Last evaluated: 2016-03-29. Review status: criteria provided, single submitter. Criteria: LMM Criteria. Collection method: clinical testing. Allele origin: germline. Observed: 1 variant allele.
Comment: Disclaimer: This variant has not undergone full assessment. The following are pr eliminary notes: Frequency

NM_033124.5(DRC2):c.1026+8_1026+9del

Gene: DRC2 (dynein regulatory complex subunit 2; plus strand). Cytogenetic location: 12q13.12.
Variant type: Deletion.
Coding change: c.1026+8_1026+9del on transcript NM_033124.5 (MANE Select); bases 8 to 9 of the intron after coding-DNA position 1026, 2 bases deleted (AG; older notation c.1026+8_1026+9delAG).
Molecular consequence: intron variant.
Genome position (GRCh38, 1-based): chr12:48,918,911-48,918,912, AG deleted. VCF-style (leftmost placement, unchanged base first): chr12-48918910-CAG-C. GRCh37 (hg19) VCF-style: chr12-49312693-CAG-C.
Other names: c.597+8_597+9del (NM_001286957.2).
Identifiers: ClinVar variation 220953 (VCV000220953.17), dbSNP rs146370108, ClinGen allele CA349581.
Genomic context (GRCh38, chr12:48,918,910, plus strand): 5'-CTCACCCTGGAAAGTAATGCCACCCTCAAGGCCCTGAGAAAGATTGTTGATAAGGTAACA[CAG>C]GGGAGAGGACTATCAGAATAAAGTCAAGGAACCTGCCTCCCTGCAAAGTGAAAGGGATTT-3'